The following is an entry in ClinVar:

ClinVar aggregate classification (germline): Uncertain significance (1 of 4 stars; one submission).

Conditions:
Cardiomyopathy (CMYO). Also called: Cardiomyopathies. Identifiers: Orphanet 167848, MedGen C0878544, MONDO:0004994, HP:0001638. Inheritance: Various modes of inheritance.

gnomAD v4.1: 1 of 1,613,052 alleles (0.000062%); highest among the groups gnomAD compares: Non-Finnish European, 0.000085%; no homozygotes.

Submission:

Color Diagnostics, LLC DBA Color Health
Classification: Uncertain significance for Cardiomyopathy. Last evaluated: 2025-06-30. Review status: criteria provided, single submitter. Criteria: ACMG Guidelines, 2015. Collection method: clinical testing. Allele origin: germline.
Comment: This missense variant replaces leucine with arginine at codon 1090 of the MYH7 protein. Computational prediction suggests that this variant may have deleterious impact on protein structure and function. To our knowledge, functional studies have not been reported for this variant. This variant has not been reported in individuals affected with MYH7-related disorders in the literature. This variant has not been identified in the general population by the Genome Aggregation Database (gnomAD). The available evidence is insufficient to determine the role of this variant in disease conclusively. Therefore, this variant is classified as a Variant of Uncertain Significance.

NM_000257.4(MYH7):c.3269T>G (p.Leu1090Arg)

Gene: MYH7 (myosin heavy chain 7; minus strand). Cytogenetic location: 14q11.2.
Variant type: single nucleotide variant.
Coding change: c.3269T>G on transcript NM_000257.4 (MANE Select); coding-DNA position 3269, T replaced by G.
Protein change: p.Leu1090Arg; replaces leucine 1090 with arginine.
Molecular consequence: missense variant.
Genome position (GRCh38, 1-based): chr14:23,421,025, A>C on the plus strand (T>G on the coding strand, the complement: MYH7 is on the minus strand). VCF-style: chr14-23421025-A-C. GRCh37 (hg19) VCF-style: chr14-23890234-A-C.
Other names: c.3269T>G, p.Leu1090Arg (NM_001407004.1); short protein forms L1090R.
Identifiers: ClinVar variation 4758547 (VCV004758547.1).
Genomic context (GRCh38, chr14:23,421,025, plus strand): 5'-TCCTTGAGCTTCTTCTGCAGCTGGCTGCCGAGGGCCTGTTCATCCTCAATCCTTGCGTTG[A>C]GAGCATTCAGCTCAAAGTCTTTTCTGTGGGGAAGGAGGGATGGTGAGGTAAGGGAGACTC-3'
Protein context (NP_000248.2, residues 1080-1100): LKKKDFELNA[Leu1090Arg]NARIEDEQAL